The following is an entry in ClinVar:

NM_001159699.2(FHL1):c.63T>G (p.Phe21Leu)

Gene: FHL1 (four and a half LIM domains 1; plus strand). Cytogenetic location: Xq26.3.
Variant type: single nucleotide variant.
Coding change: c.63T>G on transcript NM_001159699.2 (MANE Select); coding-DNA position 63, T replaced by G.
Protein change: p.Phe21Leu; replaces phenylalanine 21 with leucine.
Molecular consequence: missense variant. On other transcripts: non-coding transcript variant (1).
Genome position (GRCh38, 1-based): chrX:136,206,447, T>G. VCF-style: chrX-136206447-T-G. GRCh37 (hg19) VCF-style: chrX-135288606-T-G.
Other names: c.15T>G, p.Phe5Leu (NM_001369327.2, NM_001369328.1, NM_001369329.1 and 9 more transcripts); c.102T>G, p.Phe34Leu (NM_001159701.2); c.63T>G, p.Phe21Leu (NM_001330659.2); short protein forms F21L, F34L, F5L.
Identifiers: ClinVar variation 1023914 (VCV001023914.8), dbSNP rs2073841797, ClinGen allele CA414607357.

ClinVar aggregate classification (germline): Uncertain significance (1 of 4 stars; one submission).

Conditions:
X-linked myopathy with postural muscle atrophy. Also called: FHL1-Related Emery-Dreifuss Muscular Dystrophy, X-Linked. Identifiers: Orphanet 178461, MedGen C2678055, MONDO:0010401, OMIM 300696.

Allele frequency attached by ClinVar (database versions not stated): TOPMed 0.00001.

Submission:

Labcorp Genetics (formerly Invitae), Labcorp
Classification: Uncertain significance for X-linked myopathy with postural muscle atrophy. Last evaluated: 2020-03-26. Review status: criteria provided, single submitter. Criteria: Invitae Variant Classification Sherloc (09022015). Collection method: clinical testing. Allele origin: germline.
Comment: In summary, the available evidence is currently insufficient to determine the role of this variant in disease. Therefore, it has been classified as a Variant of Uncertain Significance. Algorithms developed to predict the effect of missense changes on protein structure and function (SIFT, PolyPhen-2, Align-GVGD) all suggest that this variant is likely to be tolerated, but these predictions have not been confirmed by published functional studies and their clinical significance is uncertain. This variant has not been reported in the literature in individuals with FHL1-related conditions. This variant is not present in population databases (ExAC no frequency). This sequence change replaces phenylalanine with leucine at codon 5 of the FHL1 protein (p.Phe5Leu). The phenylalanine residue is moderately conserved and there is a small physicochemical difference between phenylalanine and leucine.